The following is an entry in ClinVar:

NM_000744.7(CHRNA4):c.1061G>A (p.Arg354His)

Gene: CHRNA4 (cholinergic receptor nicotinic alpha 4 subunit; minus strand). Cytogenetic location: 20q13.33.
Variant type: single nucleotide variant.
Coding change: c.1061G>A on transcript NM_000744.7 (MANE Select); coding-DNA position 1061, G replaced by A.
Protein change: p.Arg354His; replaces arginine 354 with histidine.
Molecular consequence: missense variant. On other transcripts: non-coding transcript variant (1).
Genome position (GRCh38, 1-based): chr20:63,350,350, C>T on the plus strand (G>A on the coding strand, the complement: CHRNA4 is on the minus strand). VCF-style: chr20-63350350-C-T. GRCh37 (hg19) VCF-style: chr20-61981702-C-T.
Other names: c.533G>A, p.Arg178His (NM_001256573.2); short protein forms R178H, R354H.
Identifiers: ClinVar variation 860202 (VCV000860202.11), dbSNP rs200605749, ClinGen allele CA9957667.

ClinVar aggregate classification (germline): Conflicting classifications of pathogenicity. Review status: criteria provided, conflicting classifications (1 of 4 stars). 3 submissions from 3 submitters: Uncertain significance (2); Likely benign (1). Last evaluated 2025-10-29.

Conditions:
Inborn genetic diseases. Identifiers: MedGen C0950123, MeSH D030342.
Familial sleep-related hypermotor epilepsy. Also called: Autosomal Dominant Sleep-Related Hypermotor (Hyperkinetic) Epilepsy. Identifiers: Orphanet 98784, MedGen C3696898, MONDO:0000030.

Allele frequency attached by ClinVar (database versions not stated): gnomAD 0.00004 and 0.00003; ExAC 0.00002; TOPMed 0.00006.
gnomAD v4.1: 35 of 1,613,434 alleles (0.0022%); highest among the groups gnomAD compares: South Asian, 0.018%; 1 homozygote.

Submissions (3):

Women's Health and Genetics/Laboratory Corporation of America, LabCorp
Classification: Uncertain significance. Last evaluated: 2025-10-29. Review status: criteria provided, single submitter. Criteria: LabCorp Variant Classification Summary - May 2015. Collection method: clinical testing. Allele origin: germline.
Comment: Variant summary: CHRNA4 c.1061G>A (p.Arg354His) results in a non-conservative amino acid change in the encoded protein sequence. Algorithms developed to predict the effect of missense changes on protein structure and function all suggest that this variant is likely to be disruptive. The variant allele was found at a frequency of 3.2e-05 in 250364 control chromosomes. The available data on variant occurrences in the general population are insufficient to allow any conclusion about variant significance. To our knowledge, no occurrence of c.1061G>A in individuals affected with CHRNA4-related conditions and no experimental evidence demonstrating its impact on protein function have been reported. ClinVar contains an entry for this variant (Variation ID: 860202). Based on the evidence outlined above, the variant was classified as uncertain significance.

Labcorp Genetics (formerly Invitae), Labcorp
Classification: Likely benign. Last evaluated: 2024-03-05. Review status: criteria provided, single submitter. Criteria: Invitae Variant Classification Sherloc (09022015). Collection method: clinical testing. Allele origin: germline.

Ambry Genetics
Classification: Uncertain significance for Inborn genetic diseases. Last evaluated: 2018-05-16. Review status: criteria provided, single submitter. Criteria: Ambry Variant Classification Scheme 2023. Collection method: clinical testing. Allele origin: germline.
Comment: The p.R354H variant (also known as c.1061G>A), located in coding exon 5 of the CHRNA4 gene, results from a G to A substitution at nucleotide position 1061. The arginine at codon 354 is replaced by histidine, an amino acid with highly similar properties. This amino acid position is well conserved in available vertebrate species. In addition, this alteration is predicted to be deleterious by in silico analysis. Since supporting evidence is limited at this time, the clinical significance of this alteration remains unclear.